The following is an entry in ClinVar:

ClinVar aggregate classification (germline): Uncertain significance. Review status: criteria provided, multiple submitters, no conflicts (2 of 4 stars). 2 submissions from 2 submitters: Uncertain significance (2). Last evaluated 2025-02-05.

Conditions:
Carnitine palmitoyl transferase 1A deficiency. Also called: Carnitine palmitoyltransferase 1A deficiency; Carnitine palmitoyltransferase type I deficiency; CPT I DEFICIENCY; CPT DEFICIENCY, HEPATIC, TYPE I; CPT deficiency, hepatic, type IA. Identifiers: Orphanet 156, MedGen C1829703, MONDO:0009705, OMIM 255120.

Allele frequency attached by ClinVar (database versions not stated): gnomAD exomes below 0.00001.
gnomAD v4.1: 2 of 1,614,052 alleles (0.00012%); highest among the groups gnomAD compares: Non-Finnish European, 0.000085%; no homozygotes.

Submissions (2):

3billion
Classification: Uncertain significance for Carnitine palmitoyl transferase 1A deficiency. Last evaluated: 2025-02-05. Review status: criteria provided, single submitter. Criteria: ACMG Guidelines, 2015. Collection method: clinical testing. Allele origin: germline. Affected: yes.
Comment: The variant is observed at an extremely low frequency in the gnomAD v4.1.0 dataset (total allele frequency: <0.001%). Predicted Consequence/Location: Missense variant. The majority of the known disease-causing variants of this gene are variants expected to result in premature termination of the protein. In silico tool predictions suggest damaging effect of the variant on gene or gene product [REVEL: 0.97 (>=0.6, sensitivity 0.68 and specificity 0.92); 3Cnet: 0.75 (>=0.6, sensitivity 0.72 and precision 0.9)]. The variant has been reported as of uncertain significance (ClinVar ID: VCV001509199). Therefore, this variant is classified as VUS according to the recommendation of ACMG/AMP guideline.

Labcorp Genetics (formerly Invitae), Labcorp
Classification: Uncertain significance for Carnitine palmitoyl transferase 1A deficiency. Last evaluated: 2021-03-12. Review status: criteria provided, single submitter. Criteria: Invitae Variant Classification Sherloc (09022015). Collection method: clinical testing. Allele origin: germline.
Comment: In summary, the available evidence is currently insufficient to determine the role of this variant in disease. Therefore, it has been classified as a Variant of Uncertain Significance. Algorithms developed to predict the effect of missense changes on protein structure and function are either unavailable or do not agree on the potential impact of this missense change (SIFT: "Deleterious"; PolyPhen-2: "Probably Damaging"; Align-GVGD: "Class C0"). This variant has not been reported in the literature in individuals with CPT1A-related conditions. This variant is not present in population databases (ExAC no frequency). This sequence change replaces glycine with alanine at codon 600 of the CPT1A protein (p.Gly600Ala). The glycine residue is highly conserved and there is a small physicochemical difference between glycine and alanine.

NM_001876.4(CPT1A):c.1799G>C (p.Gly600Ala)

Gene: CPT1A (carnitine palmitoyltransferase 1A; minus strand). Cytogenetic location: 11q13.3.
Variant type: single nucleotide variant.
Coding change: c.1799G>C on transcript NM_001876.4 (MANE Select); coding-DNA position 1799, G replaced by C.
Protein change: p.Gly600Ala; replaces glycine 600 with alanine.
Molecular consequence: missense variant.
Genome position (GRCh38, 1-based): chr11:68,762,703, C>G on the plus strand (G>C on the coding strand, the complement: CPT1A is on the minus strand). VCF-style: chr11-68762703-C-G. GRCh37 (hg19) VCF-style: chr11-68530171-C-G.
Other names: c.1799G>C, p.Gly600Ala (NM_001031847.3); short protein forms G600A.
Identifiers: ClinVar variation 1509199 (VCV001509199.9), dbSNP rs1173933704, ClinGen allele CA381627633.